The following is an entry in ClinVar:

NM_004563.4(PCK2):c.1469-3C>G

Genes: NRL (neural retina leucine zipper; minus strand), PCK2 (phosphoenolpyruvate carboxykinase 2, mitochondrial; plus strand). Cytogenetic location: 14q12.
Variant type: single nucleotide variant.
Coding change: c.1469-3C>G on transcript NM_004563.4 (MANE Select); 3 bases into the intron before coding-DNA position 1469, C replaced by G.
Molecular consequence: intron variant.
Genome position (GRCh38, 1-based): chr14:24,103,507, C>G. VCF-style: chr14-24103507-C-G. GRCh37 (hg19) VCF-style: chr14-24572716-C-G.
Other names: c.-28+11215G>C (NM_001354768.3, NM_001354770.2); c.-254+11215G>C (NM_006177.5); c.1067-3C>G (NM_001308054.2, NM_001291556.2).
Identifiers: ClinVar variation 3729726 (VCV003729726.2).

ClinVar aggregate classification (germline): Uncertain significance (1 of 4 stars; one submission).

gnomAD v4.1: 57 of 1,542,278 alleles (0.0037%); highest among the groups gnomAD compares: East Asian, 0.059%; no homozygotes.

Submission:

Labcorp Genetics (formerly Invitae), Labcorp
Classification: Uncertain significance. Last evaluated: 2024-06-25. Review status: criteria provided, single submitter. Criteria: Invitae Variant Classification Sherloc (09022015). Collection method: clinical testing. Allele origin: germline.
Comment: This sequence change falls in intron 9 of the PCK2 gene. It does not directly change the encoded amino acid sequence of the PCK2 protein. It affects a nucleotide within the consensus splice site. This variant is present in population databases (rs111490053, gnomAD 0.05%). This variant has not been reported in the literature in individuals affected with PCK2-related conditions. Variants that disrupt the consensus splice site are a relatively common cause of aberrant splicing (PMID: 17576681, 9536098). Algorithms developed to predict the effect of sequence changes on RNA splicing suggest that this variant may disrupt the consensus splice site. In summary, the available evidence is currently insufficient to determine the role of this variant in disease. Therefore, it has been classified as a Variant of Uncertain Significance.

Literature cited by the submitters: PubMed 17576681; PubMed 9536098.